The following is an entry in ClinVar:

ClinVar aggregate classification (germline): Pathogenic (1 of 4 stars; one submission).

Conditions:
Generalized epilepsy with febrile seizures plus, type 7 (GEFSP7). Also called: GEFS+, TYPE 7. Identifiers: Orphanet 36387, MedGen C2751778, MONDO:0013470, OMIM 613863.
Neuropathy, hereditary sensory and autonomic, type 2A (HSAN2A). Also called: MORVAN DISEASE; NEUROPATHY, CONGENITAL SENSORY; NEUROPATHY, HEREDITARY SENSORY RADICULAR, AUTOSOMAL RECESSIVE; NEUROPATHY, HEREDITARY SENSORY, TYPE IIA; NEUROPATHY, PROGRESSIVE SENSORY, OF CHILDREN; HSAN IIA. Identifiers: Orphanet 970, MedGen C2752089, MONDO:0024309, OMIM 201300.

Submission:

Labcorp Genetics (formerly Invitae), Labcorp
Classification: Pathogenic for Neuropathy, hereditary sensory and autonomic, type 2A; Generalized epilepsy with febrile seizures plus, type 7. Last evaluated: 2023-03-01. Review status: criteria provided, single submitter. Criteria: Invitae Variant Classification Sherloc (09022015). Collection method: clinical testing. Allele origin: germline.
Comment: This variant is a gross deletion of the genomic region encompassing exon(s) 2-22 of the SCN9A gene, which includes the initiator codon. This deletion extends beyond the assayed region for this gene and therefore may encompass additional genes. It is expected to result in an absent or disrupted protein product. Loss-of-function variants in SCN9A are known to be pathogenic (PMID: 17470132, 19304393). This variant has not been reported in the literature in individuals affected with SCN9A-related conditions. For these reasons, this variant has been classified as Pathogenic.

Literature cited by the submitters: PubMed 17470132; PubMed 19304393.

NC_000002.11:g.(?_167085181)_(167168266_?)del

Gene: SCN9A (sodium voltage-gated channel alpha subunit 9; minus strand). Cytogenetic location: 2q24.3.
Variant type: Deletion.
Identifiers: ClinVar variation 2424583 (VCV002424583.4).